The following is an entry in ClinVar:

ClinVar aggregate classification (germline): Uncertain significance. Review status: criteria provided, single submitter (1 of 4 stars). 2 submissions from 2 submitters: Uncertain significance (1). 1 of the submissions does not count toward it. Last evaluated 2024-11-18.

Conditions:
Autosomal recessive ataxia due to ubiquinone deficiency. Also called: Coenzyme Q10 deficiency, primary, 4; SPINOCEREBELLAR ATAXIA, AUTOSOMAL RECESSIVE 9. Identifiers: Orphanet 139485, MedGen C2677589, MONDO:0012784, OMIM 612016.

Allele frequency attached by ClinVar (database versions not stated): gnomAD exomes below 0.00001; TOPMed 0.00001.
gnomAD v4.1: 3 of 1,605,270 alleles (0.00019%); highest among the groups gnomAD compares: Admixed American, 0.0017%; no homozygotes.

Submissions (2):

Labcorp Genetics (formerly Invitae), Labcorp
Classification: Uncertain significance. Last evaluated: 2024-11-18. Review status: criteria provided, single submitter. Criteria: Invitae Variant Classification Sherloc (09022015). Collection method: clinical testing. Allele origin: germline.
Comment: This sequence change replaces proline, which is neutral and non-polar, with serine, which is neutral and polar, at codon 335 of the COQ8A protein (p.Pro335Ser). This variant is present in population databases (no rsID available, gnomAD 0.003%). This variant has not been reported in the literature in individuals affected with COQ8A-related conditions. ClinVar contains an entry for this variant (Variation ID: 1348118). Invitae Evidence Modeling of protein sequence and biophysical properties (such as structural, functional, and spatial information, amino acid conservation, physicochemical variation, residue mobility, and thermodynamic stability) has been performed for this missense variant. However, the output from this modeling did not meet the statistical confidence thresholds required to predict the impact of this variant on COQ8A protein function. In summary, the available evidence is currently insufficient to determine the role of this variant in disease. Therefore, it has been classified as a Variant of Uncertain Significance.

Solve-RD Consortium
Classification: Likely pathogenic for Autosomal recessive ataxia due to ubiquinone deficiency. Last evaluated: 2022-06-01. Review status: no assertion criteria provided. Collection method: provider interpretation. Allele origin: inherited. Affected: yes. Not counted in ClinVar's aggregate classification.
Comment: Variant confirmed as disease-causing by referring clinical team

Variant identified during reanalysis of unsolved cases by the Solve-RD project. The Solve-RD project has received funding from the European Union’s Horizon 2020 research and innovation programme under grant agreement No 779257.

Literature cited by the submitters: PubMed 39825153 (cited by Solve-RD Consortium).

NM_020247.5(COQ8A):c.1003C>T (p.Pro335Ser)

Gene: COQ8A (coenzyme Q8A; plus strand). Cytogenetic location: 1q42.13.
Variant type: single nucleotide variant.
Coding change: c.1003C>T on transcript NM_020247.5 (MANE Select); coding-DNA position 1003, C replaced by T.
Protein change: p.Pro335Ser; replaces proline 335 with serine.
Molecular consequence: missense variant.
Genome position (GRCh38, 1-based): chr1:226,982,957, C>T. VCF-style: chr1-226982957-C-T. GRCh37 (hg19) VCF-style: chr1-227170658-C-T.
Other names: short protein forms P335S.
Identifiers: ClinVar variation 1348118 (VCV001348118.4), dbSNP rs1487879565, ClinGen allele CA345052895.